The following is an entry in ClinVar:

NM_000091.5(COL4A3):c.3138_3146del (p.His1047_Leu1049del)

Genes: MFF-DT (MFF divergent transcript; minus strand), COL4A3 (collagen type IV alpha 3 chain; plus strand). Cytogenetic location: 2q36.3.
Variant type: Deletion.
Coding change: c.3138_3146del on transcript NM_000091.5 (MANE Select); coding-DNA positions 3138 to 3146, 9 bases deleted (TCATGGTCT; older notation c.3138_3146delTCATGGTCT).
Protein change: p.His1047_Leu1049del.
Molecular consequence: inframe deletion.
Genome position (GRCh38, 1-based): chr2:227,290,814-227,290,822, TCATGGTCT deleted; deleting any 9 consecutive bases within chr2:227,290,813-227,290,822 gives the same sequence; the c. name uses the placement nearest the transcript's 3' end. VCF-style (leftmost placement, unchanged base first): chr2-227290812-ATTCATGGTC-A. GRCh37 (hg19) VCF-style: chr2-228155528-ATTCATGGTC-A.
Other names: c.3138_3146delTCATGGTCT (NM_000091.5).
Identifiers: ClinVar variation 4887135 (VCV004887135.1).

ClinVar aggregate classification (germline): Uncertain significance (1 of 4 stars; one submission).

Submission:

Women's Health and Genetics/Laboratory Corporation of America, LabCorp
Classification: Uncertain significance. Last evaluated: 2026-06-18. Review status: criteria provided, single submitter. Criteria: LabCorp Variant Classification Summary - May 2015. Collection method: clinical testing. Allele origin: germline.
Comment: Variant summary: COL4A3 c.3138_3146delTCATGGTCT (p.His1047_Leu1049del) results in an in-frame deletion that is predicted to remove three amino acids from the encoded protein. The variant was absent in 249434 control chromosomes. The available data on variant occurrences in the general population are insufficient to allow any conclusion about variant significance. To our knowledge, no occurrence of c.3138_3146delTCATGGTCT in individuals affected with COL4A3-related conditions and no experimental evidence demonstrating its impact on protein function have been reported. No submitters have cited clinical-significance assessments for this variant to ClinVar. Based on the evidence outlined above, the variant was classified as uncertain significance.